The following is an entry in ClinVar:

ClinVar aggregate classification (germline): Uncertain significance (1 of 4 stars; one submission).

Conditions:
Amyotrophic lateral sclerosis type 1 (ALS1). Also called: AMYOTROPHIC LATERAL SCLEROSIS 1, FAMILIAL. Identifiers: Orphanet 803, MedGen C1862939, MONDO:0007103, OMIM 105400.
Neuronopathy, distal hereditary motor, type 7B. Also called: HMN VIIB; LOWER MOTOR NEURON DISEASE, DYNACTIN TYPE; NEURONOPATHY, DISTAL HEREDITARY MOTOR, AUTOSOMAL DOMINANT 14; NEURONOPATHY, DISTAL HEREDITARY MOTOR, HARDING TYPE VIIB; NEUROPATHY, DISTAL HEREDITARY MOTOR, HARDING TYPE VIIB; NEUROPATHY, DISTAL HEREDITARY MOTOR, WITH VOCAL CORD PARALYSIS, HARDING TYPE VIIB. Identifiers: Orphanet 139589, MedGen C1843315, MONDO:0011879, OMIM 607641.
Perry syndrome. Also called: PARKINSONISM WITH ALVEOLAR HYPOVENTILATION AND MENTAL DEPRESSION. Identifiers: Orphanet 178509, MedGen C1868594, MONDO:0008201, OMIM 168605.

gnomAD v4.1: 1 of 1,614,082 alleles (0.000062%); highest among the groups gnomAD compares: Non-Finnish European, 0.000085%; no homozygotes.

Submission:

Labcorp Genetics (formerly Invitae), Labcorp
Classification: Uncertain significance for Amyotrophic lateral sclerosis type 1; Neuronopathy, distal hereditary motor, type 7B; Perry syndrome. Last evaluated: 2024-09-01. Review status: criteria provided, single submitter. Criteria: Invitae Variant Classification Sherloc (09022015). Collection method: clinical testing. Allele origin: germline.
Comment: This sequence change replaces lysine, which is basic and polar, with glutamic acid, which is acidic and polar, at codon 118 of the DCTN1 protein (p.Lys118Glu). This variant is not present in population databases (gnomAD no frequency). This variant has not been reported in the literature in individuals affected with DCTN1-related conditions. Invitae Evidence Modeling of protein sequence and biophysical properties (such as structural, functional, and spatial information, amino acid conservation, physicochemical variation, residue mobility, and thermodynamic stability) indicates that this missense variant is not expected to disrupt DCTN1 protein function with a negative predictive value of 80%. In summary, the available evidence is currently insufficient to determine the role of this variant in disease. Therefore, it has been classified as a Variant of Uncertain Significance.

NM_004082.5(DCTN1):c.352A>G (p.Lys118Glu)

Gene: DCTN1 (dynactin subunit 1; minus strand). Cytogenetic location: 2p13.1.
Variant type: single nucleotide variant.
Coding change: c.352A>G on transcript NM_004082.5 (MANE Select); coding-DNA position 352, A replaced by G.
Protein change: p.Lys118Glu; replaces lysine 118 with glutamic acid.
Molecular consequence: missense variant. On other transcripts: non-coding transcript variant (1).
Genome position (GRCh38, 1-based): chr2:74,377,654, T>C on the plus strand (A>G on the coding strand, the complement: DCTN1 is on the minus strand). VCF-style: chr2-74377654-T-C. GRCh37 (hg19) VCF-style: chr2-74604781-T-C.
Other names: c.301A>G, p.Lys101Glu (NM_001378992.1, NM_001190836.2, NM_001378991.1); c.352A>G, p.Lys118Glu (NM_001135040.3, NM_001190837.2); short protein forms K101E, K118E.
Identifiers: ClinVar variation 3762054 (VCV003762054.2).